The following is an entry in ClinVar:

ClinVar aggregate classification (germline): Uncertain significance. Review status: criteria provided, multiple submitters, no conflicts (2 of 4 stars). 2 submissions from 2 submitters: Uncertain significance (2). Last evaluated 2025-12-23.

Conditions:
Cardiovascular phenotype. Identifiers: MedGen CN230736.
Noonan syndrome 9 (NS9). Identifiers: Orphanet 648, MedGen C4225282, MONDO:0014691, OMIM 616559.

Allele frequency attached by ClinVar (database versions not stated): gnomAD exomes below 0.00001; TOPMed 0.00001.
gnomAD v4.1: 3 of 1,614,028 alleles (0.00019%); highest among the groups gnomAD compares: Admixed American, 0.0017%; no homozygotes.

Submissions (2):

Labcorp Genetics (formerly Invitae), Labcorp
Classification: Uncertain significance for Noonan syndrome 9. Last evaluated: 2025-12-23. Review status: criteria provided, single submitter. Criteria: Invitae Variant Classification Sherloc (09022015). Collection method: clinical testing. Allele origin: germline.
Comment: This sequence change replaces isoleucine, which is neutral and non-polar, with phenylalanine, which is neutral and non-polar, at codon 417 of the SOS2 protein (p.Ile417Phe). This variant is not present in population databases (gnomAD no frequency). This variant has not been reported in the literature in individuals affected with SOS2-related conditions. ClinVar contains an entry for this variant (Variation ID: 1760168). Invitae Evidence Modeling of protein sequence and biophysical properties (such as structural, functional, and spatial information, amino acid conservation, physicochemical variation, residue mobility, and thermodynamic stability) indicates that this missense variant is not expected to disrupt SOS2 protein function with a negative predictive value of 95%. In summary, the available evidence is currently insufficient to determine the role of this variant in disease. Therefore, it has been classified as a Variant of Uncertain Significance.

Ambry Genetics
Classification: Uncertain significance for Cardiovascular phenotype. Last evaluated: 2022-08-08. Review status: criteria provided, single submitter. Criteria: Ambry Variant Classification Scheme 2023. Collection method: clinical testing. Allele origin: germline.
Comment: The p.I417F variant (also known as c.1249A>T), located in coding exon 10 of the SOS2 gene, results from an A to T substitution at nucleotide position 1249. The isoleucine at codon 417 is replaced by phenylalanine, an amino acid with highly similar properties. This amino acid position is conserved. In addition, the in silico prediction for this alteration is inconclusive. Since supporting evidence is limited at this time, the clinical significance of this alteration remains unclear.

NM_006939.4(SOS2):c.1249A>T (p.Ile417Phe)

Gene: SOS2 (SOS Ras/Rho guanine nucleotide exchange factor 2; minus strand). Cytogenetic location: 14q21.3.
Variant type: single nucleotide variant.
Coding change: c.1249A>T on transcript NM_006939.4 (MANE Select); coding-DNA position 1249, A replaced by T.
Protein change: p.Ile417Phe; replaces isoleucine 417 with phenylalanine.
Molecular consequence: missense variant.
Genome position (GRCh38, 1-based): chr14:50,160,034, T>A on the plus strand (A>T on the coding strand, the complement: SOS2 is on the minus strand). VCF-style: chr14-50160034-T-A. GRCh37 (hg19) VCF-style: chr14-50626752-T-A.
Other names: c.1150A>T, p.Ile384Phe (NM_001411020.1); short protein forms I384F, I417F.
Identifiers: ClinVar variation 1760168 (VCV001760168.7), dbSNP rs1182163460, ClinGen allele CA389646224.